The following is an entry in ClinVar:

ClinVar aggregate classification (germline): Uncertain significance (1 of 4 stars; one submission).

Conditions:
Joubert syndrome 21 (JBTS21). Identifiers: MedGen C3810212, MONDO:0014288, OMIM 615636.

Allele frequency attached by ClinVar (database versions not stated): TOPMed below 0.00001; ExAC 0.00001; gnomAD exomes below 0.00001.
gnomAD v4.1: 2 of 1,613,582 alleles (0.00012%); highest among the groups gnomAD compares: Admixed American, 0.0033%; no homozygotes.

Submission:

Labcorp Genetics (formerly Invitae), Labcorp
Classification: Uncertain significance for Joubert syndrome 21. Last evaluated: 2023-07-17. Review status: criteria provided, single submitter. Criteria: Invitae Variant Classification Sherloc (09022015). Collection method: clinical testing. Allele origin: germline.
Comment: In summary, the available evidence is currently insufficient to determine the role of this variant in disease. Therefore, it has been classified as a Variant of Uncertain Significance. An algorithm developed to predict the effect of missense changes on protein structure and function (PolyPhen-2) suggests that this variant is likely to be disruptive. This variant has not been reported in the literature in individuals affected with CSPP1-related conditions. This variant is present in population databases (rs754461937, gnomAD 0.006%). This sequence change replaces lysine, which is basic and polar, with glutamic acid, which is acidic and polar, at codon 1147 of the CSPP1 protein (p.Lys1147Glu).

NM_001382391.1(CSPP1):c.3454A>G (p.Lys1152Glu)

Genes: ARFGEF1 (ARF guanine nucleotide exchange factor 1; minus strand), CSPP1 (centrosome and spindle pole associated protein 1; plus strand). Cytogenetic location: 8q13.2.
Variant type: single nucleotide variant.
Coding change: c.3454A>G on transcript NM_001382391.1 (MANE Select); coding-DNA position 3454, A replaced by G.
Protein change: p.Lys1152Glu; replaces lysine 1152 with glutamic acid.
Molecular consequence: missense variant. On other transcripts: intron variant (3).
Genome position (GRCh38, 1-based): chr8:67,193,587, A>G. VCF-style: chr8-67193587-A-G. GRCh37 (hg19) VCF-style: chr8-68105822-A-G.
Other names: c.3286A>G, p.Lys1096Glu (NM_001438330.1); c.2755A>G, p.Lys919Glu (NM_001438332.1); c.3439A>G, p.Lys1147Glu (NM_024790.7); c.3316-1795A>G (NM_001438331.1); c.5367+6809T>C (NM_001413186.1); c.5385+6809T>C (NM_001413187.1); c.2404A>G, p.Lys802Glu (NM_001291339.2); c.3373A>G, p.Lys1125Glu (NM_001363131.2); and 4 more; short protein forms K1125E, K1147E, K1152E, K1087E, K1114E, K802E, K1060E, K1174E.
Identifiers: ClinVar variation 2750322 (VCV002750322.3), dbSNP rs754461937, ClinGen allele CA4771177.